The following is an entry in ClinVar:

ClinVar aggregate classification (germline): Uncertain significance (1 of 4 stars; one submission).

Submission:

Ambry Genetics
Classification: Uncertain significance. Last evaluated: 2025-06-02. Review status: criteria provided, single submitter. Criteria: Ambry Variant Classification Scheme 2023. Collection method: clinical testing. Allele origin: germline.
Comment: The p.A520V variant (also known as c.1559C>T), located in coding exon 16 of the SRP72 gene, results from a C to T substitution at nucleotide position 1559. The alanine at codon 520 is replaced by valine, an amino acid with similar properties. This amino acid position is conserved. In addition, the in silico prediction for this alteration is inconclusive. Based on the available evidence, the clinical significance of this variant remains unclear.

NM_006947.4(SRP72):c.1559C>T (p.Ala520Val)

Gene: SRP72 (signal recognition particle 72; plus strand). Cytogenetic location: 4q12.
Variant type: single nucleotide variant.
Coding change: c.1559C>T on transcript NM_006947.4 (MANE Select); coding-DNA position 1559, C replaced by T.
Protein change: p.Ala520Val; replaces alanine 520 with valine.
Molecular consequence: missense variant. On other transcripts: non-coding transcript variant (1).
Genome position (GRCh38, 1-based): chr4:56,491,487, C>T. VCF-style: chr4-56491487-C-T. GRCh37 (hg19) VCF-style: chr4-57357653-C-T.
Other names: c.1376C>T, p.Ala459Val (NM_001267722.2); short protein forms A459V, A520V.
Identifiers: ClinVar variation 3962134 (VCV003962134.1).